The following is an entry in ClinVar:

NM_000054.7(AVPR2):c.910+27C>T

Gene: AVPR2 (arginine vasopressin receptor 2; plus strand). Cytogenetic location: Xq28.
Variant type: single nucleotide variant.
Coding change: c.910+27C>T on transcript NM_000054.7 (MANE Select); 27 bases into the intron after coding-DNA position 910, C replaced by T.
Molecular consequence: intron variant. On other transcripts: 3 prime UTR variant (1).
Genome position (GRCh38, 1-based): chrX:153,906,443, C>T. VCF-style: chrX-153906443-C-T. GRCh37 (hg19) VCF-style: chrX-153171897-C-T.
Other names: c.*7C>T (NM_001146151.3).
Identifiers: ClinVar variation 3043152 (VCV003043152.2), dbSNP rs376198408, ClinGen allele CA10555097.
Genomic context (GRCh38, chrX:153,906,443, plus strand): 5'-TGGGCCGCGTGGGACCCGGAGGCACCTCTGGAAGGTGGGTGTAGCCGTGGCTAGGGCTGA[C>T]GGGGCCACTTGGGCTTGGCCGCATGCCCCTGTGCCCCACCAGCCATCCTGAACCCAACCT-3'

ClinVar aggregate classification (germline): Likely benign (0 of 4 stars; one submission).

Conditions:
AVPR2-related disorder. Also called: AVPR2-related condition.

Allele frequency attached by ClinVar (database versions not stated): gnomAD 0.00001; TOPMed 0.00001; gnomAD exomes 0.00002; ExAC 0.00010.
gnomAD v4.1: 33 of 1,201,468 alleles (0.0027%); highest among the groups gnomAD compares: Middle Eastern, 0.023%; no homozygotes.

Submission:

PreventionGenetics, part of Exact Sciences
Classification: Likely benign for AVPR2-related condition. Last evaluated: 2019-06-23. Review status: no assertion criteria provided. Collection method: clinical testing. Allele origin: germline.
Comment: This variant is classified as likely benign based on ACMG/AMP sequence variant interpretation guidelines (Richards et al. 2015 PMID: 25741868, with internal and published modifications).